The following is an entry in ClinVar:

NM_032436.4(CHAMP1):c.607C>T (p.Pro203Ser)

Gene: CHAMP1 (chromosome alignment maintaining phosphoprotein 1; plus strand). Cytogenetic location: 13q34.
Variant type: single nucleotide variant.
Coding change: c.607C>T on transcript NM_032436.4 (MANE Select); coding-DNA position 607, C replaced by T.
Protein change: p.Pro203Ser; replaces proline 203 with serine.
Molecular consequence: missense variant.
Genome position (GRCh38, 1-based): chr13:114,324,449, C>T. VCF-style: chr13-114324449-C-T. GRCh37 (hg19) VCF-style: chr13-115089924-C-T.
Other names: c.607C>T, p.Pro203Ser (NM_001164144.3, NM_001164145.3); short protein forms P203S.
Identifiers: ClinVar variation 4534102 (VCV004534102.6).

ClinVar aggregate classification (germline): Likely benign (1 of 4 stars; one submission).

Submission:

CeGaT Center for Human Genetics Tuebingen
Classification: Likely benign. Last evaluated: 2025-10-01. Review status: criteria provided, single submitter. Criteria: CeGaT Center For Human Genetics Tuebingen Variant Classification Criteria Version 2. Collection method: clinical testing. Allele origin: germline. Affected: yes. Observed: 1 variant allele.
Comment: CHAMP1: PM2:Supporting, BP4, BP5